The following is an entry in ClinVar:

ClinVar aggregate classification (germline): Pathogenic. Review status: criteria provided, multiple submitters, no conflicts (2 of 4 stars). 2 submissions from 2 submitters: Pathogenic (2). Last evaluated 2021-08-16.

Conditions:
Exostoses, multiple, type 2 (EXT2). Also called: Hereditary Multiple Osteochondromatosis, Type II; EXOSTOSES, MULTIPLE, TYPE II. Identifiers: Orphanet 321, MedGen C1851413, MONDO:0007586, OMIM 133701.

Submissions (2):

GeneDx
Classification: Pathogenic. Last evaluated: 2021-08-16. Review status: criteria provided, single submitter. Criteria: GeneDx Variant Classification Process June 2021. Collection method: clinical testing. Allele origin: germline. Affected: yes.
Comment: Frameshift variant predicted to result in protein truncation or nonsense mediated decay in a gene for which loss-of-function is a known mechanism of disease; Not observed at significant frequency in large population cohorts (Lek et al., 2016); Has not been previously published as pathogenic or benign to our knowledge

Labcorp Genetics (formerly Invitae), Labcorp
Classification: Pathogenic for Exostoses, multiple, type 2. Last evaluated: 2019-11-07. Review status: criteria provided, single submitter. Criteria: Invitae Variant Classification Sherloc (09022015). Collection method: clinical testing. Allele origin: germline.
Comment: For these reasons, this variant has been classified as Pathogenic. Loss-of-function variants in EXT2 are known to be pathogenic (PMID: 10679937, 19810120). This variant has not been reported in the literature in individuals with EXT2-related conditions. ClinVar contains an entry for this variant (Variation ID: 279944). This variant is not present in population databases (ExAC no frequency). This sequence change creates a premature translational stop signal (p.Met135Alafs*8) in the EXT2 gene. It is expected to result in an absent or disrupted protein product.

Literature cited by the submitters: PubMed 10679937 (cited by Labcorp Genetics (formerly Invitae), Labcorp); PubMed 19810120 (cited by Labcorp Genetics (formerly Invitae), Labcorp).

NM_207122.2(EXT2):c.398_401dup (p.Met135fs)

Gene: EXT2 (exostosin glycosyltransferase 2; plus strand). Cytogenetic location: 11p11.2.
Variant type: Duplication.
Coding change: c.398_401dup on transcript NM_207122.2 (MANE Select); coding-DNA positions 398 to 401, 4 bases duplicated (TGCT; older notation c.398_401dupTGCT).
Protein change: p.Met135fs; shifts the reading frame from methionine 135.
Molecular consequence: frameshift variant.
Genome position (GRCh38, 1-based): chr11:44,108,110-44,108,113, TGCT duplicated. VCF-style (leftmost placement, unchanged base first): chr11-44108109-C-CTGCT. GRCh37 (hg19) VCF-style: chr11-44129659-C-CTGCT.
Other names: c.398_401dupTGCT (NM_207122.1); c.497_500dup, p.Met168fs (NM_000401.3); c.398_401dup, p.Met135fs (NM_001178083.3, NM_001389628.1, NM_001389630.1); short protein forms M135fs, M168fs.
Identifiers: ClinVar variation 279944 (VCV000279944.11), dbSNP rs886041272, ClinGen allele CA10603208.